The following is an entry in ClinVar:

NM_001322934.2(NFKB2):c.2463C>T (p.Tyr821=)

Gene: NFKB2 (nuclear factor kappa B subunit 2; plus strand). Cytogenetic location: 10q24.32.
Variant type: single nucleotide variant.
Coding change: c.2463C>T on transcript NM_001322934.2 (MANE Select); coding-DNA position 2463, C replaced by T.
Protein change: p.Tyr821=; no amino-acid change (tyrosine 821 retained).
Molecular consequence: synonymous variant.
Genome position (GRCh38, 1-based): chr10:102,401,914, C>T. VCF-style: chr10-102401914-C-T. GRCh37 (hg19) VCF-style: chr10-104161671-C-T.
Other names: c.2463C>T, p.Tyr821= (NM_001077494.3, NM_001261403.3, NM_001288724.1 and 1 more transcripts); c.2337C>T, p.Tyr779= (NM_001322935.1).
Identifiers: ClinVar variation 728426 (VCV000728426.11), dbSNP rs540283644, ClinGen allele CA5665085.

ClinVar aggregate classification (germline): Likely benign. Review status: criteria provided, single submitter (1 of 4 stars). 2 submissions from 2 submitters: Likely benign (1). 1 of the submissions does not count toward it. Last evaluated 2025-06-27.

Conditions:
NFKB2-related disorder. Also called: NFKB2-related condition.
Immunodeficiency, common variable, 10. Also called: IMMUNODEFICIENCY, COMMON VARIABLE, WITH CENTRAL ADRENAL INSUFFICIENCY; DEFICIT IN ANTERIOR PITUITARY FUNCTION AND VARIABLE IMMUNODEFICIENCY. Identifiers: MedGen C3809991, MONDO:0014260, OMIM 615577.

Allele frequency attached by ClinVar (database versions not stated): gnomAD exomes 0.00001 and 0.00002; ExAC 0.00002; gnomAD 0.00009 and 0.00010; 1000 Genomes Project 30x 0.00016; 1000 Genomes Project 0.00020; TOPMed 0.00020.
gnomAD v4.1: 40 of 1,610,554 alleles (0.0025%); highest among the groups gnomAD compares: Admixed American, 0.032%; no homozygotes.

Submissions (2):

Labcorp Genetics (formerly Invitae), Labcorp
Classification: Likely benign for Immunodeficiency, common variable, 10. Last evaluated: 2025-06-27. Review status: criteria provided, single submitter. Criteria: Invitae Variant Classification Sherloc (09022015). Collection method: clinical testing. Allele origin: germline.

PreventionGenetics, part of Exact Sciences
Classification: Likely benign for NFKB2-related condition. Last evaluated: 2022-09-09. Review status: no assertion criteria provided. Collection method: clinical testing. Allele origin: germline. Not counted in ClinVar's aggregate classification.
Comment: This variant is classified as likely benign based on ACMG/AMP sequence variant interpretation guidelines (Richards et al. 2015 PMID: 25741868, with internal and published modifications).